The following is an entry in ClinVar:

ClinVar aggregate classification (germline): Uncertain significance (1 of 4 stars; one submission).

Allele frequency attached by ClinVar (database versions not stated): gnomAD exomes 0.00002; ExAC 0.00005.
gnomAD v4.1: 5 of 1,551,434 alleles (0.00032%); highest among the groups gnomAD compares: Non-Finnish European, 0.00044%; no homozygotes.

Submission:

Labcorp Genetics (formerly Invitae), Labcorp
Classification: Uncertain significance. Last evaluated: 2021-10-23. Review status: criteria provided, single submitter. Criteria: Invitae Variant Classification Sherloc (09022015). Collection method: clinical testing. Allele origin: germline.
Comment: Algorithms developed to predict the effect of missense changes on protein structure and function are either unavailable or do not agree on the potential impact of this missense change (SIFT: "Not Available"; PolyPhen-2: "Probably Damaging"; Align-GVGD: "Not Available"). In summary, the available evidence is currently insufficient to determine the role of this variant in disease. Therefore, it has been classified as a Variant of Uncertain Significance. This variant has not been reported in the literature in individuals affected with UNC80-related conditions. This sequence change replaces glycine, which is neutral and non-polar, with arginine, which is basic and polar, at codon 754 of the UNC80 protein (p.Gly754Arg). The frequency data for this variant in the population databases is considered unreliable, as metrics indicate poor data quality at this position in the gnomAD database.

NM_001371986.1(UNC80):c.2260G>A (p.Gly754Arg)

Gene: UNC80 (unc-80 subunit of NALCN channel complex; plus strand). Cytogenetic location: 2q34.
Variant type: single nucleotide variant.
Coding change: c.2260G>A on transcript NM_001371986.1 (MANE Select); coding-DNA position 2260, G replaced by A.
Protein change: p.Gly754Arg; replaces glycine 754 with arginine.
Molecular consequence: missense variant.
Genome position (GRCh38, 1-based): chr2:209,820,608, G>A. VCF-style: chr2-209820608-G-A. GRCh37 (hg19) VCF-style: chr2-210685332-G-A.
Other names: c.2260G>A, p.Gly754Arg (NM_032504.2, NM_182587.4); short protein forms G754R.
Identifiers: ClinVar variation 1422536 (VCV001422536.6), dbSNP rs750342957, ClinGen allele CA2083004.